The following is an entry in ClinVar:

NM_000141.5(FGFR2):c.2152G>C (p.Glu718Gln)

Gene: FGFR2 (fibroblast growth factor receptor 2; minus strand). Cytogenetic location: 10q26.13.
Variant type: single nucleotide variant.
Coding change: c.2152G>C on transcript NM_000141.5 (MANE Select); coding-DNA position 2152, G replaced by C.
Protein change: p.Glu718Gln; replaces glutamic acid 718 with glutamine.
Molecular consequence: missense variant. On other transcripts: non-coding transcript variant (1).
Genome position (GRCh38, 1-based): chr10:121,485,438, C>G on the plus strand (G>C on the coding strand, the complement: FGFR2 is on the minus strand). VCF-style: chr10-121485438-C-G. GRCh37 (hg19) VCF-style: chr10-123244952-C-G.
Other names: c.2155G>C, p.Glu719Gln (NM_001144913.1, NM_022970.4); c.1816G>C, p.Glu606Gln (NM_001144914.1); c.1885G>C, p.Glu629Gln (NM_001144915.2, NM_023029.3); c.1807G>C, p.Glu603Gln (NM_001144916.2); c.1804G>C, p.Glu602Gln (NM_001144917.2); c.1801G>C, p.Glu601Gln (NM_001144918.2); c.1888G>C, p.Glu630Gln (NM_001144919.2); c.1468G>C, p.Glu490Gln (NM_001320654.2); and 1 more; short protein forms E601Q, E602Q, E603Q, E716Q, E718Q, E719Q, E490Q, E629Q.
Identifiers: ClinVar variation 931219 (VCV000931219.3), dbSNP rs1589713974, ClinGen allele CA378311885.

ClinVar aggregate classification (germline): Uncertain significance (1 of 4 stars; one submission).

Conditions:
Antley-Bixler syndrome without genital anomalies or disordered steroidogenesis (ABS2). Also called: Antley-Bixler Syndrome, Autosomal Dominant; MULTISYNOSTOTIC OSTEODYSGENESIS WITH LONG BONE FRACTURES; Trapezoidocephaly synostosis syndrome; Osteodysgenesis, multisynostotic with fractures. Identifiers: Orphanet 596008, Orphanet 83, MedGen C2936791, MONDO:0020667, OMIM 207410.

Submission:

Centre for Mendelian Genomics, University Medical Centre Ljubljana
Classification: Uncertain significance for Antley-Bixler syndrome without genital anomalies or disordered steroidogenesis. Last evaluated: 2019-10-28. Review status: criteria provided, single submitter. Criteria: ACMG Guidelines, 2015. Collection method: clinical testing. Allele origin: unknown. Affected: yes.
Comment: This variant was classified as: Uncertain significance. The available evidence on this variant's pathogenicity is insufficient or conflicting. The following ACMG criteria were applied in classifying this variant: PM2,PP3.